The following is an entry in ClinVar:

NM_001009944.3(PKD1):c.9350G>A (p.Arg3117His)

Gene: PKD1 (polycystin 1, transient receptor potential channel interacting; minus strand). Cytogenetic location: 16p13.3.
Variant type: single nucleotide variant.
Coding change: c.9350G>A on transcript NM_001009944.3 (MANE Select); coding-DNA position 9350, G replaced by A.
Protein change: p.Arg3117His; replaces arginine 3117 with histidine.
Molecular consequence: missense variant.
Genome position (GRCh38, 1-based): chr16:2,102,108, C>T on the plus strand (G>A on the coding strand, the complement: PKD1 is on the minus strand). VCF-style: chr16-2102108-C-T. GRCh37 (hg19) VCF-style: chr16-2152109-C-T.
Other names: c.9350G>A, p.Arg3117His (NM_000296.4); short protein forms R3117H.
Identifiers: ClinVar variation 3771236 (VCV003771236.13).

ClinVar aggregate classification (germline): Likely benign (1 of 4 stars; one submission).

gnomAD v4.1: 44 of 1,565,400 alleles (0.0028%); highest among the groups gnomAD compares: South Asian, 0.011%; 2 homozygotes.

Submission:

CeGaT Center for Human Genetics Tuebingen
Classification: Likely benign. Last evaluated: 2025-01-01. Review status: criteria provided, single submitter. Criteria: CeGaT Center For Human Genetics Tuebingen Variant Classification Criteria Version 2. Collection method: clinical testing. Allele origin: germline. Affected: yes. Observed: 1 variant allele.
Comment: PKD1: BP4